The following is an entry in ClinVar:

ClinVar aggregate classification (germline): Uncertain significance (1 of 4 stars; one submission).

Conditions:
Classic or attenuated familial adenomatous polyposis. Identifiers: MedGen CN372698, MONDO:0021057.

Submission:

All of Us Research Program, National Institutes of Health
Classification: Uncertain significance for Classic or attenuated familial adenomatous polyposis. Last evaluated: 2024-07-20. Review status: criteria provided, single submitter. Criteria: ACMG Guidelines, 2015. Collection method: clinical testing. Allele origin: germline. Inheritance: Autosomal dominant inheritance. Observed: 1 variant allele, 1 heterozygote.
Comment: This missense variant replaces arginine with proline at codon 106 of the APC protein. Computational prediction suggests that this variant may not impact protein structure and function (internally defined REVEL score threshold <= 0.5, PMID: 27666373). To our knowledge, functional studies have not been reported for this variant. This variant has not been reported in individuals affected with APC-related disorders in the literature. This variant has not been identified in the general population by the Genome Aggregation Database (gnomAD). The available evidence is insufficient to determine the role of this variant in disease conclusively. Therefore, this variant is classified as a Variant of Uncertain Significance.

This study involves interpretation of variants in research participants for the purpose of population health screening. Participant phenotype was not available at the time of variant classification. Additional details can be found in publication PMID: 35346344, PMCID: PMC8962531

NM_000038.6(APC):c.317G>C (p.Arg106Pro)

Gene: APC (APC regulator of WNT signaling pathway; plus strand). Cytogenetic location: 5q22.2.
Variant type: single nucleotide variant.
Coding change: c.317G>C on transcript NM_000038.6 (MANE Select); coding-DNA position 317, G replaced by C.
Protein change: p.Arg106Pro; replaces arginine 106 with proline.
Molecular consequence: missense variant. On other transcripts: 5 prime UTR variant (4), non-coding transcript variant (2).
Genome position (GRCh38, 1-based): chr5:112,767,285, G>C. VCF-style: chr5-112767285-G-C. GRCh37 (hg19) VCF-style: chr5-112102982-G-C.
Other names: c.317G>C, p.Arg106Pro (NM_001127510.3, NM_001354895.2, NM_001354896.2 and 16 more transcripts); c.347G>C, p.Arg116Pro (NM_001127511.3, NM_001354897.2, NM_001354902.2 and 1 more transcripts); c.242G>C, p.Arg81Pro (NM_001354898.2, NM_001354904.2, NM_001407451.1); c.140G>C, p.Arg47Pro (NM_001354900.2, NM_001354901.2, NM_001354905.2 and 1 more transcripts); c.-719G>C (NM_001354906.2, NM_001407470.1, NM_001407471.1 and 1 more transcripts); short protein forms R106P, R116P, R47P, R81P.
Identifiers: ClinVar variation 3387633 (VCV003387633.1).